The following is an entry in ClinVar:

NM_006912.6(RIT1):c.268A>C (p.Met90Leu)

Gene: RIT1 (Ras like without CAAX 1; minus strand). Cytogenetic location: 1q22.
Variant type: single nucleotide variant.
Coding change: c.268A>C on transcript NM_006912.6 (MANE Select); coding-DNA position 268, A replaced by C.
Protein change: p.Met90Leu; replaces methionine 90 with leucine.
Molecular consequence: missense variant.
Genome position (GRCh38, 1-based): chr1:155,904,472, T>G on the plus strand (A>C on the coding strand, the complement: RIT1 is on the minus strand). VCF-style: chr1-155904472-T-G. GRCh37 (hg19) VCF-style: chr1-155874263-T-G.
Other names: c.160A>C, p.Met54Leu (NM_001256820.2); c.319A>C, p.Met107Leu (NM_001256821.2); short protein forms M107L, M54L, M90L.
Identifiers: ClinVar variation 976308 (VCV000976308.1), dbSNP rs1557960039, ClinGen allele CA342802815.

ClinVar aggregate classification (germline): Likely pathogenic (1 of 4 stars; one submission).

Conditions:
Noonan syndrome 8 (NS8). Identifiers: Orphanet 648, MedGen C3809233, MONDO:0014143, OMIM 615355.

Submission:

Institute of Human Genetics, University of Leipzig Medical Center
Classification: Likely pathogenic for Noonan syndrome 8. Last evaluated: 2019-11-22. Review status: criteria provided, single submitter. Criteria: ACMG Guidelines, 2015. Collection method: clinical testing. Allele origin: germline. Affected: yes. Observed: 1 variant allele.
Comment: This variant was identified as de novo (maternity and paternity confirmed).